The following is an entry in ClinVar:

NM_002225.5(IVD):c.425_428dup (p.Glu143_Ala144insTer)

Gene: IVD (isovaleryl-CoA dehydrogenase; plus strand). Cytogenetic location: 15q15.1.
Variant type: Duplication.
Coding change: c.425_428dup on transcript NM_002225.5 (MANE Select); coding-DNA positions 425 to 428, 4 bases duplicated (ATGA; older notation c.425_428dupATGA).
Protein change: p.Glu143_Ala144insTer.
Molecular consequence: nonsense, inframe insertion. On other transcripts: non-coding transcript variant (1).
Genome position (GRCh38, 1-based): chr15:40,410,766-40,410,769, ATGA duplicated; duplicating any 4 consecutive bases within chr15:40,410,764-40,410,769 gives the same sequence; the c. name uses the placement nearest the transcript's 3' end. VCF-style (leftmost placement, unchanged base first): chr15-40410763-G-GGAAT. GRCh37 (hg19) VCF-style: chr15-40702962-G-GGAAT.
Other names: c.335_338dup, p.Glu113_Ala114insTer (NM_001159508.3); c.377_380dup, p.Glu127_Ala128insTer (NM_001354597.3); c.425_428dup, p.Glu143_Ala144insTer (NM_001354598.3, NM_001354601.3); c.512_515dup, p.Glu172_Ala173insTer (NM_001354599.3, NM_001354600.3).
Identifiers: ClinVar variation 4815001 (VCV004815001.1).
Genomic context (GRCh38, chr15:40,410,763, plus strand): 5'-CAGTGGGGCTCAGTTACGGTGCCCACTCCAACCTCTGCATCAACCAGCTTGTACGCAATG[G>GGAAT]GAATGAGGCCCAGAAAGAGAAGTATCTCCCGAAGGTGAGGAAATGGAAATGTAATACACG-3'

ClinVar aggregate classification (germline): Likely pathogenic (1 of 4 stars; one submission).

Conditions:
Isovaleryl-CoA dehydrogenase deficiency (IVA). Also called: ISOVALERIC ACID CoA DEHYDROGENASE DEFICIENCY; Isovaleric acidemia; Classic Isovaleric Acidemia; IVD DEFICIENCY. Identifiers: Orphanet 33, MedGen C0268575, MONDO:0009475, OMIM 243500.

Submission:

Natera, Inc.
Classification: Likely pathogenic for Isovaleryl-coa dehydrogenase deficiency. Last evaluated: 2025-10-08. Review status: criteria provided, single submitter. Criteria: Natera Variant Classification Schema (03/2026). Collection method: clinical testing. Allele origin: germline.
Comment: The c.434_437dup variant in IVD is a frameshift variant predicted to shift the reading frame and introduce a stop codon. This variant is expected to result in nonsense mediated decay, truncation, or a dysfunctional protein product. This variant is rare in the general population with a frequency below the threshold expected for the associated phenotype(s). Given the available evidence, this variant is classified as Likely Pathogenic.